The following is an entry in ClinVar:

NM_001270.4(CHD1):c.4496del (p.His1499fs)

Gene: CHD1 (chromodomain helicase DNA binding protein 1; minus strand). Cytogenetic location: 5q15.
Variant type: Deletion.
Coding change: c.4496del on transcript NM_001270.4 (MANE Select); coding-DNA position 4496, one base deleted (A; older notation c.4496delA).
Protein change: p.His1499fs; shifts the reading frame from histidine 1499.
Molecular consequence: frameshift variant. On other transcripts: non-coding transcript variant (2).
Genome position (GRCh38, 1-based): chr5:98,860,000, T deleted on the plus strand (A on the coding strand, the reverse complement: CHD1 is on the minus strand). VCF-style (leftmost placement, unchanged base first): chr5-98859999-AT-A. GRCh37 (hg19) VCF-style: chr5-98195703-AT-A.
Other names: c.4760del, p.His1587fs (NM_001364113.3); c.4496del, p.His1499fs (NM_001376194.2); short protein forms H1499fs, H1587fs.
Identifiers: ClinVar variation 4851317 (VCV004851317.1).
Genomic context (GRCh38, chr5:98,859,999, plus strand): 5'-AAATTCAGGGAAAAAATATGATGTCAAGTTTACCTGAGACTCCTGCCGTTTTTTAATAGC[AT>A]GCTTATATAATTTATGTAATTTTCTTGCATCAAATTCAGTAAACTTAGATACAAAAATCC-3'

ClinVar aggregate classification (germline): Pathogenic (1 of 4 stars; one submission).

Conditions:
Pilarowski-Bjornsson syndrome. Also called: DEVELOPMENTAL DELAY AND SPEECH APRAXIA WITH OR WITHOUT SEIZURES. Identifiers: Orphanet 529965, MedGen C4540131, MONDO:0060568, OMIM 617682.

Submission:

Center for Human Genetics and Genomic Medicine, Uniklinik Rwth Aachen
Classification: Pathogenic for Pilarowski-Bjornsson syndrome. Last evaluated: 2026-05-12. Review status: criteria provided, single submitter. Criteria: ACMG Guidelines, 2015. Collection method: clinical testing. Allele origin: unknown. Inheritance: Autosomal dominant inheritance. Affected: yes. Observed: 1 variant allele, 1 heterozygote.
Comment: Pathogenic variants in the CHD1 gene cause an autosomal dominant inherited developmental disorder also known as Pilarowski-Björnsson syndrome. Clinically, the presentation is variable and includes developmental delay, speech impairment, cognitive impairment, and frequently autistic features or behavioral abnormalities (Pilarowski et al., 2018). The variant has not yet been reported in the literature or in the ClinVar database. It has not yet been detected in the general population (gnomAD v4.1.0) (PM2_sup). The variant represents a frameshift mutation followed by a stop codon. This typically leads either to premature termination of translation or to so-called “nonsense-mediated mRNA decay.” In both cases, a loss of function of the protein occurs. In the CHD1 gene, loss-of-function variants are known to be pathogenetically relevant (PVS1, Anderson et al., 2025).